The following is an entry in ClinVar:

NM_033641.4(COL4A6):c.32C>A (p.Thr11Lys)

Gene: COL4A6 (collagen type IV alpha 6 chain; minus strand). Cytogenetic location: Xq22.3.
Variant type: single nucleotide variant.
Coding change: c.32C>A on transcript NM_033641.4 (MANE Select); coding-DNA position 32, C replaced by A.
Protein change: p.Thr11Lys; replaces threonine 11 with lysine.
Molecular consequence: missense variant.
Genome position (GRCh38, 1-based): chrX:108,437,973, G>T on the plus strand (C>A on the coding strand, the complement: COL4A6 is on the minus strand). VCF-style: chrX-108437973-G-T. GRCh37 (hg19) VCF-style: chrX-107681203-G-T.
Other names: c.32C>A, p.Thr11Lys (NM_001287758.2, NM_001287759.2, NM_001287760.2 and 1 more transcripts); c.35C>A, p.Thr12Lys (NM_001440759.1, NM_001847.4); short protein forms T11K, T12K.
Identifiers: ClinVar variation 5000486 (VCV005000486.1).

ClinVar aggregate classification (germline): Uncertain significance (1 of 4 stars; one submission).

Conditions:
COL4A6-related disorder. Also called: COL4A6-related condition.

gnomAD v4.1: 3 of 1,210,870 alleles (0.00025%); highest among the groups gnomAD compares: Admixed American, 0.0022%; no homozygotes.

Submission:

PreventionGenetics, part of Exact Sciences
Classification: Uncertain significance for COL4A6-related condition. Last evaluated: 2026-08-17. Review status: criteria provided, single submitter. Criteria: ACMG Guidelines, 2015. Collection method: clinical testing. Allele origin: germline.
Comment: The COL4A6 c.35C>A variant is predicted to result in the amino acid substitution p.Thr12Lys. To our knowledge, this variant has not been reported in the literature or in a large population database (gnomAD), indicating this variant is rare. At this time, the clinical significance of this variant is uncertain due to the absence of conclusive functional and genetic evidence.